The following is an entry in ClinVar:

ClinVar aggregate classification (germline): Uncertain significance (1 of 4 stars; one submission).

Conditions:
Intellectual developmental disorder, X-linked 1. Also called: Atkin Flaitz Patil Smith syndrome; MENTAL RETARDATION, X-LINKED 18; MENTAL RETARDATION, X-LINKED 78; Intellectual disability, X-linked 1. Identifiers: Orphanet 777, MedGen C2931498, MONDO:0010656, OMIM 309530.

Submission:

Victorian Clinical Genetics Services, Murdoch Childrens Research Institute
Classification: Uncertain significance for Intellectual developmental disorder, X-linked 1. Last evaluated: 2023-07-17. Review status: criteria provided, single submitter. Criteria: ACMG Guidelines, 2015. Collection method: clinical testing. Allele origin: germline. Inheritance: X-linked dominant inheritance. Affected: yes.
Comment: Based on the classification scheme VCGS_Germline_v1.3.4, this variant is classified as VUS-3B. Following criteria are met: 0102 - Loss of function is a known mechanism of disease in this gene and is associated with X-linked intellectual developmental disorder 1 (MIM#309530). (I) 0110 - This gene is associated with X-linked disease. Males present with a severe early-onset condition, whereas females can be asymptomatic carriers, or be symptomatic and milder with a later onset (PMID: 30206421). (I) 0200 - Variant is predicted to result in a missense amino acid change from arginine to leucine. (I) 0253 - This variant is hemizygous. (I) 0301 - Variant is absent from gnomAD (both v2 and v3). (SP) 0501 - Missense variant consistently predicted to be damaging by multiple in silico tools or highly conserved with a major amino acid change. (SP) 0600 - Variant is located in the annotated sec7 domain (DECIPHER). (I) 0705 - No comparable missense variants have previous evidence for pathogenicity. (I) 0807 - This variant has no previous evidence of pathogenicity. (I) 0905 - No published segregation evidence has been identified for this variant. (I) 1007 - No published functional evidence has been identified for this variant. (I) Legend: (SP) - Supporting pathogenic, (I) - Information, (SB) - Supporting benign

Literature cited by the submitters: PubMed 30206421.

NM_001111125.3(IQSEC2):c.2804G>T (p.Arg935Leu)

Gene: IQSEC2 (IQ motif and Sec7 domain ArfGEF 2; minus strand). Cytogenetic location: Xp11.22.
Variant type: single nucleotide variant.
Coding change: c.2804G>T on transcript NM_001111125.3 (MANE Select); coding-DNA position 2804, G replaced by T.
Protein change: p.Arg935Leu; replaces arginine 935 with leucine.
Molecular consequence: missense variant.
Genome position (GRCh38, 1-based): chrX:53,243,417, C>A on the plus strand (G>T on the coding strand, the complement: IQSEC2 is on the minus strand). VCF-style: chrX-53243417-C-A. GRCh37 (hg19) VCF-style: chrX-53272599-C-A.
Other names: c.2804G>T, p.Arg935Leu (NM_001410736.1); c.2189G>T, p.Arg730Leu (NM_015075.2); short protein forms R730L, R935L.
Identifiers: ClinVar variation 3254792 (VCV003254792.1), dbSNP rs2074255042.